The following is an entry in ClinVar:

NM_005219.5(DIAPH1):c.*1322C>G

Gene: DIAPH1 (diaphanous related formin 1; minus strand). Cytogenetic location: 5q31.3.
Variant type: single nucleotide variant.
Coding change: c.*1322C>G on transcript NM_005219.5 (MANE Select); 1322 bases downstream of the stop codon, C replaced by G.
Molecular consequence: 3 prime UTR variant.
Genome position (GRCh38, 1-based): chr5:141,515,529, G>C on the plus strand (C>G on the coding strand, the complement: DIAPH1 is on the minus strand). VCF-style: chr5-141515529-G-C. GRCh37 (hg19) VCF-style: chr5-140895096-G-C.
Other names: c.*1322C>G (NM_001079812.3); c.*1441C>G (NM_001314007.2).
Identifiers: ClinVar variation 351267 (VCV000351267.5), dbSNP rs530260919, ClinGen allele CA10619188.
Genomic context (GRCh38, chr5:141,515,529, plus strand): 5'-GGGCACAAGGAGGGCAAAAGTATCACCCTAAGCCAGAGAATTGCAGCTTCCTGTGGTTGG[G>C]GCCACCAAACAGTTCAGTGTGCCCACCCACTTCTCTTTTAGAAGAGAGCTGGGGTACAGT-3'

ClinVar aggregate classification (germline): Likely benign (1 of 4 stars; one submission).

Conditions:
Autosomal dominant nonsyndromic hearing loss 1. Also called: KONIGSMARK SYNDROME; DEAFNESS, AUTOSOMAL DOMINANT 1, WITH OR WITHOUT THROMBOCYTOPENIA. Identifiers: Orphanet 90635, MedGen C1852282, MONDO:0007424, OMIM 124900.

Allele frequency attached by ClinVar (database versions not stated): 1000 Genomes Project 0.00140; gnomAD 0.00149 and 0.00165; 1000 Genomes Project 30x 0.00156; TOPMed 0.00203.

Submission:

Illumina Laboratory Services, Illumina
Classification: Likely benign for Autosomal dominant nonsyndromic hearing loss 1. Last evaluated: 2018-01-12. Review status: criteria provided, single submitter. Criteria: ICSL Variant Classification Criteria 13 December 2019. Collection method: clinical testing. Allele origin: germline.
Comment: This variant was observed in the ICSL laboratory as part of a predisposition screen in an ostensibly healthy population. It had not been previously curated by ICSL or reported in the Human Gene Mutation Database (HGMD: prior to June 1st, 2018), and was therefore a candidate for classification through an automated scoring system. Utilizing variant allele frequency, disease prevalence and penetrance estimates, and inheritance mode, an automated score was calculated to assess if this variant is too frequent to cause the disease. Based on the score and internal cut-off values, a variant classified as likely benign is not then subjected to further curation. The score for this variant resulted in a classification of likely benign for this disease.